The following is an entry in ClinVar:

NM_001183.6(ATP6AP1):c.834C>T (p.Tyr278=)

Gene: ATP6AP1 (ATPase H+ transporting accessory protein 1; plus strand). Cytogenetic location: Xq28.
Variant type: single nucleotide variant.
Coding change: c.834C>T on transcript NM_001183.6 (MANE Select); coding-DNA position 834, C replaced by T.
Protein change: p.Tyr278=; no amino-acid change (tyrosine 278 retained).
Molecular consequence: synonymous variant.
Genome position (GRCh38, 1-based): chrX:154,434,357, C>T. VCF-style: chrX-154434357-C-T. GRCh37 (hg19) VCF-style: chrX-153662703-C-T.
Identifiers: ClinVar variation 2178683 (VCV002178683.28), dbSNP rs2523020192, ClinGen allele CA519283828.
Genomic context (GRCh38, chrX:154,434,357, plus strand): 5'-GAGTTACAATGACACCGCTCCCCGGATCCTGTTCTGGGCCCAAAACTTCTCTGTGGCGTA[C>T]AAGGACCAGTGGGAGGACCTGACTCCCCTCACCTTTGGGGTGCAGGAACTCAACCTGACT-3'
Protein context (NP_001174.2, residues 268-288): LFWAQNFSVA[Tyr278=]KDQWEDLTPL

ClinVar aggregate classification (germline): Likely benign. Review status: criteria provided, multiple submitters, no conflicts (2 of 4 stars). 2 submissions from 2 submitters: Likely benign (2). Last evaluated 2023-12-20.

Allele frequency attached by ClinVar (database versions not stated): gnomAD exomes below 0.00001.
gnomAD v4.1: 3 of 1,212,083 alleles (0.00025%); highest among the groups gnomAD compares: Middle Eastern, 0.023%; no homozygotes.

Submissions (2):

Labcorp Genetics (formerly Invitae), Labcorp
Classification: Likely benign. Last evaluated: 2023-12-20. Review status: criteria provided, single submitter. Criteria: Invitae Variant Classification Sherloc (09022015). Collection method: clinical testing. Allele origin: germline.

CeGaT Center for Human Genetics Tuebingen
Classification: Likely benign. Last evaluated: 2023-04-01. Review status: criteria provided, single submitter. Criteria: CeGaT Center For Human Genetics Tuebingen Variant Classification Criteria Version 2. Collection method: clinical testing. Allele origin: germline. Affected: yes. Observed: 1 variant allele.
Comment: ATP6AP1: PM2:Supporting, BP4, BP7